The following is an entry in ClinVar:

ClinVar aggregate classification (germline): Benign/Likely benign. Review status: criteria provided, multiple submitters, no conflicts (2 of 4 stars). 2 submissions from 2 submitters: Benign (1); Likely benign (1). Last evaluated 2024-11-01.

Conditions:
Multiple endocrine neoplasia, type 1 (MEN1). Also called: MEN I; WERMER SYNDROME; Endocrine adenomatosis multiple; MEN 1; MEA I. Identifiers: Orphanet 652, MedGen C0025267, MeSH D018761, MONDO:0007540, OMIM 131100.

Allele frequency attached by ClinVar (database versions not stated): gnomAD exomes below 0.00001.

Submissions (2):

Myriad Genetics, Inc.
Classification: Benign for Multiple endocrine neoplasia, type 1. Last evaluated: 2024-11-01. Review status: criteria provided, single submitter. Criteria: Myriad Autosomal Dominant, Autosomal Recessive and X-Linked Classification Criteria (2023). Collection method: clinical testing. Allele origin: unknown.
Comment: This variant is considered benign. This variant is a silent/synonymous amino acid change and it is not expected to impact splicing.

Labcorp Genetics (formerly Invitae), Labcorp
Classification: Likely benign for Multiple endocrine neoplasia, type 1. Last evaluated: 2023-06-15. Review status: criteria provided, single submitter. Criteria: Invitae Variant Classification Sherloc (09022015). Collection method: clinical testing. Allele origin: germline.

NM_001370259.2(MEN1):c.720G>A (p.Val240=)

Gene: MEN1 (menin 1; minus strand). Cytogenetic location: 11q13.1.
Variant type: single nucleotide variant.
Coding change: c.720G>A on transcript NM_001370259.2 (MANE Select); coding-DNA position 720, G replaced by A.
Protein change: p.Val240=; no amino-acid change (valine 240 retained).
Molecular consequence: synonymous variant. On other transcripts: non-coding transcript variant (4).
Genome position (GRCh38, 1-based): chr11:64,807,615, C>T on the plus strand (G>A on the coding strand, the complement: MEN1 is on the minus strand). VCF-style: chr11-64807615-C-T. GRCh37 (hg19) VCF-style: chr11-64575087-C-T.
Other names: c.735G>A, p.Val245= (NM_000244.4, NM_001407145.1, NM_001407150.1 and 5 more transcripts); c.720G>A, p.Val240= (NM_001370251.2, NM_001370260.2, NM_001370261.2 and 7 more transcripts); c.615G>A, p.Val205= (NM_001370262.2, NM_001370263.2, NM_001407148.1 and 2 more transcripts).
Identifiers: ClinVar variation 2875615 (VCV002875615.4), dbSNP rs1555165534, ClinGen allele CA474983802.